The following is an entry in ClinVar:

NM_015512.5(DNAH1):c.2005_2014del (p.Gly669fs)

Gene: DNAH1 (dynein axonemal heavy chain 1; plus strand). Cytogenetic location: 3p21.1.
Variant type: Deletion.
Coding change: c.2005_2014del on transcript NM_015512.5 (MANE Select); coding-DNA positions 2005 to 2014, 10 bases deleted (GGGGTGCACT; older notation c.2005_2014delGGGGTGCACT).
Protein change: p.Gly669fs; shifts the reading frame from glycine 669.
Molecular consequence: frameshift variant.
Genome position (GRCh38, 1-based): chr3:52,347,873-52,347,882, GGGGTGCACT deleted; deleting any 10 consecutive bases within chr3:52,347,871-52,347,882 gives the same sequence; the c. name uses the placement nearest the transcript's 3' end. VCF-style (leftmost placement, unchanged base first): chr3-52347870-TCTGGGGTGCA-T. GRCh37 (hg19) VCF-style: chr3-52381886-TCTGGGGTGCA-T.
Other names: short protein forms G669fs.
Identifiers: ClinVar variation 1421082 (VCV001421082.6), dbSNP rs2153223851, ClinGen allele CA2573137262.

ClinVar aggregate classification (germline): Pathogenic (1 of 4 stars; one submission).

Conditions:
Spermatogenic failure 18. Identifiers: MedGen C4539783, MONDO:0054615, OMIM 617576.
Ciliary dyskinesia, primary, 37 (CILD37). Also called: CILIARY DYSKINESIA, PRIMARY, 37, WITH OR WITHOUT SITUS INVERSUS. Identifiers: MedGen C4539798, MONDO:0033204, OMIM 617577.

Submission:

Labcorp Genetics (formerly Invitae), Labcorp
Classification: Pathogenic for Ciliary dyskinesia, primary, 37; Spermatogenic failure 18. Last evaluated: 2025-08-04. Review status: criteria provided, single submitter. Criteria: Invitae Variant Classification Sherloc (09022015). Collection method: clinical testing. Allele origin: germline.
Comment: This sequence change creates a premature translational stop signal (p.Gly669Ilefs*13) in the DNAH1 gene. It is expected to result in an absent or disrupted protein product. Loss-of-function variants in DNAH1 are known to be pathogenic (PMID: 27573432, 27798045). This variant is not present in population databases (gnomAD no frequency). This variant has not been reported in the literature in individuals affected with DNAH1-related conditions. ClinVar contains an entry for this variant (Variation ID: 1421082). For these reasons, this variant has been classified as Pathogenic.

Literature cited by the submitters: PubMed 27573432; PubMed 27798045.